The following is an entry in ClinVar:

ClinVar aggregate classification (germline): Likely pathogenic (1 of 4 stars; one submission).

Conditions:
Gnathodiaphyseal dysplasia (GDD). Also called: GNATHODIAPHYSEAL SCLEROSIS; OSTEOGENESIS IMPERFECTA WITH UNUSUAL SKELETAL LESIONS. Identifiers: Orphanet 53697, MedGen C1833736, MONDO:0008151, OMIM 166260.
Autosomal recessive limb-girdle muscular dystrophy type 2L (LGMDR12). Also called: Limb-girdle muscular dystrophy, type 2L; MUSCULAR DYSTROPHY, LIMB-GIRDLE, AUTOSOMAL RECESSIVE 12; Limb-Girdle Muscular Dystrophy R12 Anoctamin-5-Related (LGMD-R12). Identifiers: Orphanet 206549, MedGen C1969785, MONDO:0012652, OMIM 611307.

Allele frequency attached by ClinVar (database versions not stated): TOPMed below 0.00001.
gnomAD v4.1: 2 of 1,583,626 alleles (0.00013%); highest among the groups gnomAD compares: Non-Finnish European, 0.00017%; no homozygotes.

Submission:

Labcorp Genetics (formerly Invitae), Labcorp
Classification: Likely pathogenic for Autosomal recessive limb-girdle muscular dystrophy type 2L; Gnathodiaphyseal dysplasia. Last evaluated: 2023-02-27. Review status: criteria provided, single submitter. Criteria: Invitae Variant Classification Sherloc (09022015). Collection method: clinical testing. Allele origin: germline.
Comment: In summary, the currently available evidence indicates that the variant is pathogenic, but additional data are needed to prove that conclusively. Therefore, this variant has been classified as Likely Pathogenic. Algorithms developed to predict the effect of sequence changes on RNA splicing suggest that this variant may disrupt the consensus splice site. This variant has not been reported in the literature in individuals affected with ANO5-related conditions. This variant is not present in population databases (gnomAD no frequency). This sequence change affects a donor splice site in intron 9 of the ANO5 gene. It is expected to disrupt RNA splicing. Variants that disrupt the donor or acceptor splice site typically lead to a loss of protein function (PMID: 16199547), and loss-of-function variants in ANO5 are known to be pathogenic (PMID: 21186264, 23606453, 25891276, 30919934).

Literature cited by the submitters: PubMed 16199547; PubMed 21186264; PubMed 23606453; PubMed 25891276; PubMed 30919934.

NM_213599.3(ANO5):c.878+1G>A

Gene: ANO5 (anoctamin 5; plus strand). Cytogenetic location: 11p14.3.
Variant type: single nucleotide variant.
Coding change: c.878+1G>A on transcript NM_213599.3 (MANE Select); the canonical splice donor site of the intron after coding-DNA position 878, G replaced by A.
Molecular consequence: splice donor variant.
Genome position (GRCh38, 1-based): chr11:22,239,685, G>A. VCF-style: chr11-22239685-G-A. GRCh37 (hg19) VCF-style: chr11-22261231-G-A.
Other names: c.836+1G>A (NM_001410963.1); c.875+1G>A (NM_001142649.2); c.833+1G>A (NM_001410964.1).
Identifiers: ClinVar variation 2940395 (VCV002940395.3), dbSNP rs1853361649, ClinGen allele CA379920621.